The following is an entry in ClinVar:

NM_000368.5(TSC1):c.2362G>T (p.Glu788Ter)

Gene: TSC1 (TSC complex subunit 1; minus strand). Cytogenetic location: 9q34.13.
Variant type: single nucleotide variant.
Coding change: c.2362G>T on transcript NM_000368.5 (MANE Select); coding-DNA position 2362, G replaced by T.
Protein change: p.Glu788Ter; replaces glutamic acid 788 with a stop codon.
Molecular consequence: nonsense.
Genome position (GRCh38, 1-based): chr9:132,902,634, C>A on the plus strand (G>T on the coding strand, the complement: TSC1 is on the minus strand). VCF-style: chr9-132902634-C-A. GRCh37 (hg19) VCF-style: chr9-135778021-C-A.
Other names: c.2359G>T, p.Glu787Ter (NM_001162426.2); c.2209G>T, p.Glu737Ter (NM_001162427.2); c.1999G>T, p.Glu667Ter (NM_001362177.2); short protein forms E788*, E667*, E737*, E787*.
Identifiers: ClinVar variation 48946 (VCV000048946.8), dbSNP rs118203685, ClinGen allele CA006362.

ClinVar aggregate classification (germline): Pathogenic. Review status: criteria provided, single submitter (1 of 4 stars). 2 submissions from 2 submitters: Pathogenic (1). 1 of the submissions does not count toward it. Last evaluated 2018-10-18.

Conditions:
Tuberous sclerosis syndrome (TSC). Also called: Tuberous Sclerosis Complex; Tuberous sclerosis. Identifiers: Orphanet 805, MedGen C0041341, MONDO:0001734.
Tuberous sclerosis 1 (TSC1). Identifiers: Orphanet 805, MedGen C1854465, MONDO:0008612, OMIM 191100.

Submissions (2):

Labcorp Genetics (formerly Invitae), Labcorp
Classification: Pathogenic for Tuberous sclerosis 1. Last evaluated: 2018-10-18. Review status: criteria provided, single submitter. Criteria: Invitae Variant Classification Sherloc (09022015). Collection method: clinical testing. Allele origin: germline.
Comment: For these reasons, this variant has been classified as Pathogenic. Loss-of-function variants in TSC1 are known to be pathogenic (PMID: 10227394, 17304050). Algorithms developed to predict the effect of sequence changes on RNA splicing suggest that this variant may create or strengthen a splice site, but this prediction has not been confirmed by published transcriptional studies. This variant has been observed in an individual with tuberous sclerosis complex (PMID: 9242607). ClinVar contains an entry for this variant (Variation ID: 48946). This variant is also known as c.2583G>T, E788X in the literature. This variant is not present in population databases (ExAC no frequency). This sequence change creates a premature translational stop signal (p.Glu788*) in the TSC1 gene. It is expected to result in an absent or disrupted protein product.

Tuberous sclerosis database (TSC1)
No classification provided. Condition: TSC. Review status: no classification provided. Criteria: Tuberous Sclerosis Database Assertion Criteria 2015. Collection method: curation. Allele origin: germline. Affected: yes. Not counted in ClinVar's aggregate classification.

Literature cited by the submitters: PubMed 10227394 (cited by Labcorp Genetics (formerly Invitae), Labcorp); PubMed 17304050 (cited by Labcorp Genetics (formerly Invitae), Labcorp); PubMed 9242607 (cited by Labcorp Genetics (formerly Invitae), Labcorp).